The following is an entry in ClinVar:

NM_001243279.3(ACSF3):c.261del (p.Cys88fs)

Gene: ACSF3 (acyl-CoA synthetase family member 3; plus strand). Cytogenetic location: 16q24.3.
Variant type: Deletion.
Coding change: c.261del on transcript NM_001243279.3 (MANE Select); coding-DNA position 261, one base deleted (G; older notation c.261delG).
Protein change: p.Cys88fs; shifts the reading frame from cysteine 88.
Molecular consequence: frameshift variant. On other transcripts: non-coding transcript variant (3), intron variant (1).
Genome position (GRCh38, 1-based): chr16:89,100,942, G deleted; the last of 3 consecutive G bases (chr16:89,100,940-89,100,942); deleting any one gives the same sequence. VCF-style (leftmost placement, unchanged base first): chr16-89100939-CG-C. GRCh37 (hg19) VCF-style: chr16-89167347-CG-C.
Other names: c.261delG (NM_174917.4); c.261del, p.Cys88fs (NM_001127214.4, NM_174917.5); c.-129-1662del (NM_001284316.2); short protein forms C88fs.
Identifiers: ClinVar variation 942038 (VCV000942038.13), dbSNP rs775569136, ClinGen allele CA8237589.
Genomic context (GRCh38, chr16:89,100,939, plus strand): 5'-CACGTACAGGGAGCTTTATTCCCGCAGCCTTCGCCTGTCCCAGGAGATCTGCAGGCTCTG[CG>C]GGTGTGTCGGCGGGGACCTCCGGGAGGAGAGGGTCTCCTTCCTATGCGCTAACGATGCCT-3'

ClinVar aggregate classification (germline): Pathogenic/Likely pathogenic. Review status: criteria provided, multiple submitters, no conflicts (2 of 4 stars). 5 submissions from 5 submitters: Pathogenic (1); Likely pathogenic (4). Last evaluated 2026-01-05.

Conditions:
Combined malonic and methylmalonic acidemia. Identifiers: Orphanet 289504, MedGen C3280314, MONDO:0013661, OMIM 614265.

Submissions (5):

Natera, Inc.
Classification: Likely pathogenic for Combined malonic and methylmalonic aciduria. Last evaluated: 2026-01-05. Review status: criteria provided, single submitter. Criteria: Natera Variant Classification Schema (03/2026). Collection method: clinical testing. Allele origin: germline.
Comment: The c.261delG variant in ACSF3 is a frameshift variant predicted to shift the reading frame beginning at codon 88 and leads to a stop codon 30 codons downstream. This variant is expected to result in nonsense mediated decay, truncation, or a dysfunctional protein product. This variant is rare in the general population with a frequency below the threshold expected for the associated phenotype(s). Given the available evidence, this variant is classified as Likely Pathogenic.

Fulgent Genetics
Classification: Likely pathogenic for Combined malonic and methylmalonic acidemia. Last evaluated: 2024-06-17. Review status: criteria provided, single submitter. Criteria: ACMG Guidelines, 2015. Collection method: clinical testing. Allele origin: germline.

Baylor Genetics
Classification: Likely pathogenic for Combined malonic and methylmalonic acidemia. Last evaluated: 2024-03-19. Review status: criteria provided, single submitter. Criteria: ACMG Guidelines, 2015. Collection method: clinical testing. Allele origin: unknown.

Labcorp Genetics (formerly Invitae), Labcorp
Classification: Pathogenic for Combined malonic and methylmalonic acidemia. Last evaluated: 2023-09-11. Review status: criteria provided, single submitter. Criteria: Invitae Variant Classification Sherloc (09022015). Collection method: clinical testing. Allele origin: germline.
Comment: For these reasons, this variant has been classified as Pathogenic. ClinVar contains an entry for this variant (Variation ID: 942038). This variant has not been reported in the literature in individuals affected with ACSF3-related conditions. This variant is present in population databases (rs775569136, gnomAD 0.01%). This sequence change creates a premature translational stop signal (p.Cys88Valfs*30) in the ACSF3 gene. It is expected to result in an absent or disrupted protein product. Loss-of-function variants in ACSF3 are known to be pathogenic (PMID: 21841779, 26827111).

Juno Genomics, Hangzhou Juno Genomics, Inc
Classification: Likely pathogenic for Combined malonic and methylmalonic acidemia. Review status: criteria provided, single submitter. Criteria: ACMG Guidelines, 2015. Collection method: clinical testing. Allele origin: germline.
Comment: Null variant in a gene where loss of function (LOF) is a known mechanism of disease.;Absent from controls (or at extremely low frequency if recessive) in Genome Aggregation Database.

Literature cited by the submitters: PubMed 21841779 (cited by Labcorp Genetics (formerly Invitae), Labcorp); PubMed 26827111 (cited by Labcorp Genetics (formerly Invitae), Labcorp).